The following is an entry in ClinVar:

NM_006141.3(DYNC1LI2):c.222A>G (p.Leu74=)

Gene: DYNC1LI2 (dynein cytoplasmic 1 light intermediate chain 2; minus strand). Cytogenetic location: 16q22.1.
Variant type: single nucleotide variant.
Coding change: c.222A>G on transcript NM_006141.3 (MANE Select); coding-DNA position 222, A replaced by G.
Protein change: p.Leu74=; no amino-acid change (leucine 74 retained).
Molecular consequence: synonymous variant. On other transcripts: non-coding transcript variant (1), intron variant (1).
Genome position (GRCh38, 1-based): chr16:66,749,273, T>C on the plus strand (A>G on the coding strand, the complement: DYNC1LI2 is on the minus strand). VCF-style: chr16-66749273-T-C. GRCh37 (hg19) VCF-style: chr16-66783176-T-C.
Other names: c.222A>G, p.Leu74= (NM_001286157.2); c.181+2000A>G (NM_001323955.2).
Identifiers: ClinVar variation 2646602 (VCV002646602.24), dbSNP rs774047536, ClinGen allele CA8095406.

ClinVar aggregate classification (germline): Likely benign (1 of 4 stars; one submission).

Allele frequency attached by ClinVar (database versions not stated): gnomAD 0.00003; TOPMed 0.00003; gnomAD exomes 0.00004; ExAC 0.00007.
gnomAD v4.1: 62 of 1,614,120 alleles (0.0038%); highest among the groups gnomAD compares: Non-Finnish European, 0.0031%; no homozygotes.

Submission:

CeGaT Center for Human Genetics Tuebingen
Classification: Likely benign. Last evaluated: 2022-09-01. Review status: criteria provided, single submitter. Criteria: CeGaT Center For Human Genetics Tuebingen Variant Classification Criteria Version 2. Collection method: clinical testing. Allele origin: germline. Affected: yes. Observed: 1 variant allele.
Comment: DYNC1LI2: BP4, BP7